The following is an entry in ClinVar:

NM_000293.3(PHKB):c.2755C>A (p.Gln919Lys)

Gene: PHKB (phosphorylase kinase regulatory subunit beta; plus strand). Cytogenetic location: 16q12.1.
Variant type: single nucleotide variant.
Coding change: c.2755C>A on transcript NM_000293.3 (MANE Select); coding-DNA position 2755, C replaced by A.
Protein change: p.Gln919Lys; replaces glutamine 919 with lysine.
Molecular consequence: missense variant.
Genome position (GRCh38, 1-based): chr16:47,689,165, C>A. VCF-style: chr16-47689165-C-A. GRCh37 (hg19) VCF-style: chr16-47723076-C-A.
Other names: c.2734C>A, p.Gln912Lys (NM_001031835.3); c.2755C>A, p.Gln919Lys (NM_001363837.1); short protein forms Q912K, Q919K.
Identifiers: ClinVar variation 2166190 (VCV002166190.1), dbSNP rs1597183714, ClinGen allele CA396099988.

ClinVar aggregate classification (germline): Uncertain significance (1 of 4 stars; one submission).

Conditions:
Glycogen storage disease IXb (GSD9B). Also called: PHOSPHORYLASE KINASE DEFICIENCY OF LIVER AND MUSCLE, AUTOSOMAL RECESSIVE; GLYCOGENOSIS OF LIVER AND MUSCLE, AUTOSOMAL RECESSIVE; GSD IXb. Identifiers: Orphanet 79240, MedGen C0543514, MONDO:0009868, OMIM 261750.

Submission:

Labcorp Genetics (formerly Invitae), Labcorp
Classification: Uncertain significance for Glycogen storage disease IXb. Last evaluated: 2022-04-22. Review status: criteria provided, single submitter. Criteria: Invitae Variant Classification Sherloc (09022015). Collection method: clinical testing. Allele origin: germline.
Comment: This sequence change replaces glutamine, which is neutral and polar, with lysine, which is basic and polar, at codon 919 of the PHKB protein (p.Gln919Lys). This variant is not present in population databases (gnomAD no frequency). This variant has not been reported in the literature in individuals affected with PHKB-related conditions. Algorithms developed to predict the effect of missense changes on protein structure and function (SIFT, PolyPhen-2, Align-GVGD) all suggest that this variant is likely to be tolerated. In summary, the available evidence is currently insufficient to determine the role of this variant in disease. Therefore, it has been classified as a Variant of Uncertain Significance.